The following is an entry in ClinVar:

NM_006031.6(PCNT):c.3370G>C (p.Glu1124Gln)

Gene: PCNT (pericentrin; plus strand). Cytogenetic location: 21q22.3.
Variant type: single nucleotide variant.
Coding change: c.3370G>C on transcript NM_006031.6 (MANE Select); coding-DNA position 3370, G replaced by C.
Protein change: p.Glu1124Gln; replaces glutamic acid 1124 with glutamine.
Molecular consequence: missense variant.
Genome position (GRCh38, 1-based): chr21:46,385,889, G>C. VCF-style: chr21-46385889-G-C. GRCh37 (hg19) VCF-style: chr21-47805804-G-C.
Other names: c.3370G>C (NM_006031.5); c.3016G>C, p.Glu1006Gln (NM_001315529.2); short protein forms E1006Q, E1124Q.
Identifiers: ClinVar variation 3617210 (VCV003617210.4).

ClinVar aggregate classification (germline): Uncertain significance. Review status: criteria provided, multiple submitters, no conflicts (2 of 4 stars). 3 submissions from 3 submitters: Uncertain significance (3). Last evaluated 2026-02-24.

Conditions:
Inborn genetic diseases. Identifiers: MedGen C0950123, MeSH D030342.
PCNT-related disorder. Also called: PCNT-related condition.

Submissions (3):

PreventionGenetics, part of Exact Sciences
Classification: Uncertain significance for PCNT-related condition. Last evaluated: 2026-02-24. Review status: criteria provided, single submitter. Criteria: ACMG Guidelines, 2015. Collection method: clinical testing. Allele origin: germline.
Comment: The PCNT c.3370G>C variant is predicted to result in the amino acid substitution p.Glu1124Gln. To our knowledge, this variant has not been reported in the literature. This variant is reported in 0.0058% of alleles in individuals of Latino descent in gnomAD. At this time, the clinical significance of this variant is uncertain due to the absence of conclusive functional and genetic evidence.

Ambry Genetics
Classification: Uncertain significance for Inborn genetic diseases. Last evaluated: 2025-04-20. Review status: criteria provided, single submitter. Criteria: Ambry Variant Classification Scheme 2023. Collection method: clinical testing. Allele origin: germline.

Labcorp Genetics (formerly Invitae), Labcorp
Classification: Uncertain significance. Last evaluated: 2024-06-26. Review status: criteria provided, single submitter. Criteria: Invitae Variant Classification Sherloc (09022015). Collection method: clinical testing. Allele origin: germline.
Comment: This sequence change replaces glutamic acid, which is acidic and polar, with glutamine, which is neutral and polar, at codon 1124 of the PCNT protein (p.Glu1124Gln). This variant is present in population databases (no rsID available, gnomAD 0.006%). This variant has not been reported in the literature in individuals affected with PCNT-related conditions. An algorithm developed to predict the effect of missense changes on protein structure and function (PolyPhen-2) suggests that this variant is likely to be disruptive. In summary, the available evidence is currently insufficient to determine the role of this variant in disease. Therefore, it has been classified as a Variant of Uncertain Significance.